The following is an entry in ClinVar:

NM_032119.4(ADGRV1):c.8824+1G>A

Gene: ADGRV1 (adhesion G protein-coupled receptor V1; plus strand). Cytogenetic location: 5q14.3.
Variant type: single nucleotide variant.
Coding change: c.8824+1G>A on transcript NM_032119.4 (MANE Select); the canonical splice donor site of the intron after coding-DNA position 8824, G replaced by A.
Molecular consequence: splice donor variant.
Genome position (GRCh38, 1-based): chr5:90,708,910, G>A. VCF-style: chr5-90708910-G-A. GRCh37 (hg19) VCF-style: chr5-90004727-G-A.
Identifiers: ClinVar variation 1464829 (VCV001464829.8), dbSNP rs2149707525, ClinGen allele CA360393698.

ClinVar aggregate classification (germline): Likely pathogenic (1 of 4 stars; one submission).

gnomAD v4.1: 2 of 1,597,688 alleles (0.00013%); highest among the groups gnomAD compares: Non-Finnish European, 0.00017%; no homozygotes.

Submission:

Labcorp Genetics (formerly Invitae), Labcorp
Classification: Likely pathogenic. Last evaluated: 2021-01-13. Review status: criteria provided, single submitter. Criteria: Invitae Variant Classification Sherloc (09022015). Collection method: clinical testing. Allele origin: germline.
Comment: This sequence change affects a donor splice site in intron 39 of the ADGRV1 gene. It is expected to disrupt RNA splicing. Variants that disrupt the donor or acceptor splice site typically lead to a loss of protein function (PMID: 16199547), and loss-of-function variants in ADGRV1 are known to be pathogenic (PMID: 19357117, 22135276, 22147658, 26667666, 30029497). This variant is not present in population databases (ExAC no frequency). This variant has not been reported in the literature in individuals with ADGRV1-related conditions. Algorithms developed to predict the effect of sequence changes on RNA splicing suggest that this variant may disrupt the consensus splice site, but this prediction has not been confirmed by published transcriptional studies. In summary, the currently available evidence indicates that the variant is pathogenic, but additional data are needed to prove that conclusively. Therefore, this variant has been classified as Likely Pathogenic.

Literature cited by the submitters: PubMed 16199547; PubMed 19357117; PubMed 22135276; PubMed 22147658; PubMed 26667666; PubMed 30029497.